The following is an entry in ClinVar:

NM_002076.4(GNS):c.70C>G (p.Pro24Ala)

Gene: GNS (glucosamine (N-acetyl)-6-sulfatase; minus strand). Cytogenetic location: 12q14.3.
Variant type: single nucleotide variant.
Coding change: c.70C>G on transcript NM_002076.4 (MANE Select); coding-DNA position 70, C replaced by G.
Protein change: p.Pro24Ala; replaces proline 24 with alanine.
Molecular consequence: missense variant.
Genome position (GRCh38, 1-based): chr12:64,759,207, G>C on the plus strand (C>G on the coding strand, the complement: GNS is on the minus strand). VCF-style: chr12-64759207-G-C. GRCh37 (hg19) VCF-style: chr12-65152987-G-C.
Other names: short protein forms P24A.
Identifiers: ClinVar variation 2001473 (VCV002001473.4), dbSNP rs1167712983, ClinGen allele CA385613283.

ClinVar aggregate classification (germline): Uncertain significance (1 of 4 stars; one submission).

Conditions:
Mucopolysaccharidosis, MPS-III-D (MPS3D). Also called: N-ACETYLGLUCOSAMINE-6-SULFATASE DEFICIENCY; SANFILIPPO SYNDROME D; MPS III D; Mucopoly-saccharidosis type 3D; N-acetylglucosamine-6-sulfate sulfatase deficiency; MPS 3D. Identifiers: Orphanet 581, Orphanet 79272, MedGen C0086650, MONDO:0009658, OMIM 252940.

gnomAD v4.1: 1 of 1,547,244 alleles (0.000065%); highest among the groups gnomAD compares: Non-Finnish European, 0.000087%; no homozygotes.

Submission:

Labcorp Genetics (formerly Invitae), Labcorp
Classification: Uncertain significance for Mucopolysaccharidosis, MPS-III-D. Last evaluated: 2022-05-31. Review status: criteria provided, single submitter. Criteria: Invitae Variant Classification Sherloc (09022015). Collection method: clinical testing. Allele origin: germline.
Comment: This sequence change replaces proline, which is neutral and non-polar, with alanine, which is neutral and non-polar, at codon 24 of the GNS protein (p.Pro24Ala). This variant is not present in population databases (gnomAD no frequency). This variant has not been reported in the literature in individuals affected with GNS-related conditions. Algorithms developed to predict the effect of missense changes on protein structure and function are either unavailable or do not agree on the potential impact of this missense change (SIFT: "Tolerated"; PolyPhen-2: "Possibly Damaging"; Align-GVGD: "Class C0"). In summary, the available evidence is currently insufficient to determine the role of this variant in disease. Therefore, it has been classified as a Variant of Uncertain Significance.